The following is an entry in ClinVar:

NM_001851.6(COL9A1):c.890C>T (p.Pro297Leu)

Gene: COL9A1 (collagen type IX alpha 1 chain; minus strand). Cytogenetic location: 6q13.
Variant type: single nucleotide variant.
Coding change: c.890C>T on transcript NM_001851.6 (MANE Select); coding-DNA position 890, C replaced by T.
Protein change: p.Pro297Leu; replaces proline 297 with leucine.
Molecular consequence: missense variant. On other transcripts: non-coding transcript variant (1).
Genome position (GRCh38, 1-based): chr6:70,281,026, G>A on the plus strand (C>T on the coding strand, the complement: COL9A1 is on the minus strand). VCF-style: chr6-70281026-G-A. GRCh37 (hg19) VCF-style: chr6-70990729-G-A.
Other names: c.161C>T, p.Pro54Leu (NM_001377289.1, NM_001377290.1, NM_078485.4); c.890C>T, p.Pro297Leu (NM_001377291.1); short protein forms P297L, P54L.
Identifiers: ClinVar variation 1018111 (VCV001018111.7), dbSNP rs746311583, ClinGen allele CA364665866.
Genomic context (GRCh38, chr6:70,281,026, plus strand): 5'-GGAAGGAAGTGGAGCGCCATATGCTCCAATCAACTTACCGGGGGGCCCGGGGGGCCCTTA[G>A]GACCTCGGTCACCCTGGAGGGGTAGGAGAAAAAGAGAGAGCAGTCTATGAGCGGGATAGG-3'
Protein context (NP_001842.3, residues 287-307): GIDGIDGDRG[Pro297Leu]KGPPGPPGPA

ClinVar aggregate classification (germline): Uncertain significance (1 of 4 stars; one submission).

Allele frequency attached by ClinVar (database versions not stated): TOPMed below 0.00001; gnomAD 0.00001.
gnomAD v4.1: 18 of 1,612,678 alleles (0.0011%); highest among the groups gnomAD compares: Non-Finnish European, 0.0012%; no homozygotes.

Submission:

Labcorp Genetics (formerly Invitae), Labcorp
Classification: Uncertain significance. Last evaluated: 2022-03-10. Review status: criteria provided, single submitter. Criteria: Invitae Variant Classification Sherloc (09022015). Collection method: clinical testing. Allele origin: germline.
Comment: This sequence change replaces proline, which is neutral and non-polar, with leucine, which is neutral and non-polar, at codon 297 of the COL9A1 protein (p.Pro297Leu). This variant is present in population databases (no rsID available, gnomAD 0.007%). This variant has not been reported in the literature in individuals affected with COL9A1-related conditions. ClinVar contains an entry for this variant (Variation ID: 1018111). Advanced modeling of protein sequence and biophysical properties (such as structural, functional, and spatial information, amino acid conservation, physicochemical variation, residue mobility, and thermodynamic stability) performed at Invitae indicates that this missense variant is not expected to disrupt COL9A1 protein function. In summary, the available evidence is currently insufficient to determine the role of this variant in disease. Therefore, it has been classified as a Variant of Uncertain Significance.